The following is an entry in ClinVar:

ClinVar aggregate classification (germline): Likely pathogenic. Review status: criteria provided, multiple submitters, no conflicts (2 of 4 stars). 2 submissions from 2 submitters: Likely pathogenic (2). Last evaluated 2026-03-22.

Conditions:
Bethlem myopathy 2 (BTHLM2). Identifiers: Orphanet 536516, Orphanet 610, MedGen C4225313, MONDO:0034022, OMIM 616471.

Submissions (2):

GeneDx
Classification: Likely pathogenic. Last evaluated: 2026-03-22. Review status: criteria provided, single submitter. Criteria: GeneDx Variant Classification Process June 2021. Collection method: clinical testing. Allele origin: germline.
Comment: Frameshift variant predicted to result in protein truncation or nonsense mediated decay in a gene for which loss of function is a known mechanism of disease; Not observed at significant frequency in large population cohorts (gnomAD); Has not been previously published as pathogenic or benign to our knowledge

Genomic Medicine Center of Excellence, King Faisal Specialist Hospital and Research Centre
Classification: Likely pathogenic for Bethlem myopathy 2. Last evaluated: 2024-03-26. Review status: criteria provided, single submitter. Criteria: ACMG Guidelines, 2015. Collection method: clinical testing. Allele origin: germline.

NM_004370.6(COL12A1):c.5308_5311del (p.Thr1770fs)

Gene: COL12A1 (collagen type XII alpha 1 chain; minus strand). Cytogenetic location: 6q13.
Variant type: Deletion.
Coding change: c.5308_5311del on transcript NM_004370.6 (MANE Select); coding-DNA positions 5308 to 5311, 4 bases deleted (ACTG; older notation c.5308_5311delACTG).
Protein change: p.Thr1770fs; shifts the reading frame from threonine 1770.
Molecular consequence: frameshift variant.
Genome position (GRCh38, 1-based): chr6:75,137,520-75,137,523, CAGT deleted on the plus strand (ACTG on the coding strand, the reverse complement: COL12A1 is on the minus strand); deleting any 4 consecutive bases within chr6:75,137,520-75,137,526 gives the same sequence; the c. name uses the placement nearest the transcript's 3' end. VCF-style (leftmost placement, unchanged base first): chr6-75137519-ACAGT-A. GRCh37 (hg19) VCF-style: chr6-75847235-ACAGT-A.
Other names: c.5287_5290del, p.Thr1763fs (NM_001424114.1); c.5035_5038del, p.Thr1679fs (NM_001424115.1); c.1816_1819del, p.Thr606fs (NM_001424116.1, NM_080645.3); c.5308_5311del, p.Thr1770fs (NM_001424113.1); c.5308_5311del (NM_004370.5); short protein forms T1679fs, T1763fs, T1770fs, T606fs.
Identifiers: ClinVar variation 3065301 (VCV003065301.2), dbSNP rs2533311002, ClinGen allele CA2740097846.